The following is an entry in ClinVar:

ClinVar aggregate classification (germline): Uncertain significance (1 of 4 stars; one submission).

Submission:

GeneDx
Classification: Uncertain significance. Last evaluated: 2022-11-30. Review status: criteria provided, single submitter. Criteria: GeneDx Variant Classification Process June 2021. Collection method: clinical testing. Allele origin: germline. Affected: yes.
Comment: Has not been previously published as pathogenic or benign to our knowledge

NM_001330701.2(AGTPBP1):c.-88_-87delinsTC

Genes: AGTPBP1 (ATP/GTP binding carboxypeptidase 1; minus strand), LOC130001960 (ATAC-STARR-seq lymphoblastoid silent region 19988; plus strand). Cytogenetic location: 9q21.33.
Variant type: Indel.
Coding change: c.-88_-87delinsTC on transcript NM_001330701.2 (MANE Select); 88 bases upstream of the start codon through 87 bases upstream of the start codon, CT replaced by TC.
Molecular consequence: 5 prime UTR variant. On other transcripts: missense variant (2).
Genome position (GRCh38, 1-based): chr9:85,741,828-85,741,829, AG replaced by GA on the plus strand (CT replaced by TC on the coding strand, the reverse complement: AGTPBP1 is on the minus strand). VCF-style: chr9-85741828-AG-GA. GRCh37 (hg19) VCF-style: chr9-88356743-AG-GA.
Other names: c.134_135delinsTC, p.Ala45Val (NM_001286715.1, NM_001286717.1); c.-88_-87delinsTC (NM_015239.3); short protein forms A45V.
Identifiers: ClinVar variation 1306421 (VCV001306421.2), dbSNP rs2134876584, ClinGen allele CA2573053193.
Genomic context (GRCh38, chr9:85,741,828, plus strand): 5'-CGCTCACCGGCTCAGGATGGGGCGCTGGCGGGGACCGCGCAGAGCCGCAGCACCCGGCTC[AG>GA]CACCTGGATCACGGCGGATCCCTCGCCGCCCGCCGCCCGGTGTTTTCATACAAACCCCGG-3'